The following is an entry in ClinVar:

NM_001083962.2(TCF4):c.499+5_499+6dup

Gene: TCF4 (transcription factor 4; minus strand). Cytogenetic location: 18q21.2.
Variant type: Duplication.
Coding change: c.499+5_499+6dup on transcript NM_001083962.2 (MANE Select); bases 5 to 6 of the intron after coding-DNA position 499, 2 bases duplicated (GG; older notation c.499+5_499+6dupGG).
Molecular consequence: intron variant.
Genome position (GRCh38, 1-based): chr18:55,350,868-55,350,869, CC duplicated on the plus strand (GG on the coding strand, the reverse complement: TCF4 is on the minus strand). VCF-style (leftmost placement, unchanged base first): chr18-55350867-A-ACC. GRCh37 (hg19) VCF-style: chr18-53018098-A-ACC.
Other names: c.805+5_805+6dup (NM_001243226.3); c.424+5_424+6dup (NM_001369584.1, NM_001369576.1, NM_001369585.1 and 3 more transcripts); c.427+5_427+6dup (NM_001369577.1, NM_001369582.1, NM_001243227.2 and 9 more transcripts); c.499+5_499+6dup (NM_001369571.1, NM_001369567.1, NM_001243228.2 and 5 more transcripts); c.493+5_493+6dup (NM_001243230.2); c.496+5_496+6dup (NM_001369569.1, NM_001369573.1, NM_001369570.1); c.373+5_373+6dup (NM_001243231.2, NM_001348211.2); c.109+5_109+6dup (NM_001348212.2, NM_001348213.2, NM_001243233.2 and 1 more transcripts); and 1 more.
Identifiers: ClinVar variation 2837550 (VCV002837550.3), dbSNP rs2514749005, ClinGen allele CA2739268763.

ClinVar aggregate classification (germline): Uncertain significance (1 of 4 stars; one submission).

Conditions:
Pitt-Hopkins syndrome (PTHS). Also called: ENCEPHALOPATHY, SEVERE EPILEPTIC, WITH AUTONOMIC DYSFUNCTION; MENTAL RETARDATION, SYNDROMAL, WITH INTERMITTENT HYPERVENTILATION. Identifiers: Orphanet 2896, MedGen C1970431, MONDO:0012589, OMIM 610954.

Submission:

Labcorp Genetics (formerly Invitae), Labcorp
Classification: Uncertain significance for Pitt-Hopkins syndrome. Last evaluated: 2023-02-14. Review status: criteria provided, single submitter. Criteria: Invitae Variant Classification Sherloc (09022015). Collection method: clinical testing. Allele origin: germline.
Comment: In summary, the available evidence is currently insufficient to determine the role of this variant in disease. Therefore, it has been classified as a Variant of Uncertain Significance. Algorithms developed to predict the effect of sequence changes on RNA splicing suggest that this variant may disrupt the consensus splice site. This variant has not been reported in the literature in individuals affected with TCF4-related conditions. This variant is not present in population databases (gnomAD no frequency). This sequence change falls in intron 7 of the TCF4 gene. It does not directly change the encoded amino acid sequence of the TCF4 protein.